The following is an entry in ClinVar:

ClinVar aggregate classification (germline): Likely benign. Review status: criteria provided, multiple submitters, no conflicts (2 of 4 stars). 2 submissions from 2 submitters: Likely benign (2). Last evaluated 2024-11-21.

Submissions (2):

Blueprint Genetics
Classification: Likely benign. Last evaluated: 2024-11-21. Review status: criteria provided, single submitter. Criteria: ACMG Guidelines, 2015. Collection method: clinical testing. Allele origin: germline.

CeGaT Center for Human Genetics Tuebingen
Classification: Likely benign. Last evaluated: 2024-03-01. Review status: criteria provided, single submitter. Criteria: CeGaT Center For Human Genetics Tuebingen Variant Classification Criteria Version 2. Collection method: clinical testing. Allele origin: germline. Affected: yes. Observed: 1 variant allele.
Comment: SACK1H: PM4, BS1, BS2

NM_198488.5(SACK1H):c.2737_2769del (p.Gly913_Arg923del)

Gene: SACK1H (scaffolding CK1 anchoring protein H; minus strand). Cytogenetic location: 8q24.3.
Variant type: Deletion.
Coding change: c.2737_2769del on transcript NM_198488.5 (MANE Select); coding-DNA positions 2737 to 2769, 33 bases deleted.
Protein change: p.Gly913_Arg923del.
Molecular consequence: inframe deletion.
Genome position (GRCh38, 1-based): chr8:143,726,692-143,726,724, 33 bases deleted; deleting any 33 consecutive bases within chr8:143,726,692-143,726,733 gives the same sequence; the c. name uses the placement nearest the transcript's 3' end. GRCh37 (hg19): chr8:144,808,871-144,808,903.
Identifiers: ClinVar variation 3067323 (VCV003067323.22), dbSNP rs782137070, ClinGen allele CA4917134.